The following is an entry in ClinVar:

ClinVar aggregate classification (germline): Pathogenic/Likely pathogenic. Review status: criteria provided, multiple submitters, no conflicts (2 of 4 stars). 3 submissions from 3 submitters: Pathogenic (2); Likely pathogenic (1). Last evaluated 2025-06-27.

Conditions:
Cerebral arteriopathy, autosomal dominant, with subcortical infarcts and leukoencephalopathy, type 1 (CADASIL1). Also called: CADASIL 1; CASIL; Cerebral arteriopathy with subcortical infarcts and leukoencephalopathy 1; DEMENTIA, HEREDITARY MULTIINFARCT TYPE. Identifiers: Orphanet 136, MedGen C4551768, MONDO:0000914, OMIM 125310.

Submissions (3):

Athena Diagnostics
Classification: Pathogenic. Last evaluated: 2025-06-27. Review status: criteria provided, single submitter. Criteria: Athena Diagnostics Criteria. Collection method: clinical testing. Allele origin: unknown.
Comment: This variant alters a critical location within the protein, and is expected to severely affect function and cause disease. This variant has not been reported in large, multi-ethnic general populations. This variant has been identified in at least one individual with clinical features associated with this CADASIL. At least one other missense variant at this codon is considered to be pathogenic or likely pathogenic, suggesting this variant may also cause disease. Greater than 90% of NOTCH3 pathogenic variants associated with CADASIL involve the gain or loss of a cysteine residue within the epidermal growth factor (EGF)-like repeat domain (PMID: 32457593, 20301673).

Labcorp Genetics (formerly Invitae), Labcorp
Classification: Pathogenic. Last evaluated: 2023-09-21. Review status: criteria provided, single submitter. Criteria: Invitae Variant Classification Sherloc (09022015). Collection method: clinical testing. Allele origin: germline.
Comment: Algorithms developed to predict the effect of sequence changes on RNA splicing suggest that this variant may create or strengthen a splice site. For these reasons, this variant has been classified as Pathogenic. This sequence change replaces cysteine, which is neutral and slightly polar, with phenylalanine, which is neutral and non-polar, at codon 144 of the NOTCH3 protein (p.Cys144Phe). This variant is not present in population databases (gnomAD no frequency). This missense change has been observed in individuals with cerebral arteriopathy with subcortical infarcts and leukoencephalopathy 1 (PMID: 11058919, 11571335, 19576955). It has also been observed to segregate with disease in related individuals. ClinVar contains an entry for this variant (Variation ID: 1803216). Advanced modeling of protein sequence and biophysical properties (such as structural, functional, and spatial information, amino acid conservation, physicochemical variation, residue mobility, and thermodynamic stability) performed at Invitae indicates that this missense variant is expected to disrupt NOTCH3 protein function.

Genetics and Molecular Pathology, SA Pathology
Classification: Likely pathogenic for Cerebral arteriopathy, autosomal dominant, with subcortical infarcts and leukoencephalopathy, type 1. Last evaluated: 2021-09-14. Review status: criteria provided, single submitter. Criteria: ACMG Guidelines, 2015. Collection method: clinical testing. Allele origin: germline. Inheritance: Autosomal dominant inheritance. Affected: yes.

Literature cited by the submitters: PubMed 11058919 (cited by Athena Diagnostics and Labcorp Genetics (formerly Invitae), Labcorp); PubMed 12821764 (cited by Athena Diagnostics); PubMed 19576955 (cited by Athena Diagnostics and Labcorp Genetics (formerly Invitae), Labcorp); PubMed 11535004 (cited by Athena Diagnostics); PubMed 11571335 (cited by Athena Diagnostics and Labcorp Genetics (formerly Invitae), Labcorp).

NM_000435.3(NOTCH3):c.431G>T (p.Cys144Phe)

Gene: NOTCH3 (notch receptor 3; minus strand). Cytogenetic location: 19p13.12.
Variant type: single nucleotide variant.
Coding change: c.431G>T on transcript NM_000435.3 (MANE Select); coding-DNA position 431, G replaced by T.
Protein change: p.Cys144Phe; replaces cysteine 144 with phenylalanine.
Molecular consequence: missense variant.
Genome position (GRCh38, 1-based): chr19:15,192,208, C>A on the plus strand (G>T on the coding strand, the complement: NOTCH3 is on the minus strand). VCF-style: chr19-15192208-C-A. GRCh37 (hg19) VCF-style: chr19-15303019-C-A.
Other names: c.431G>T (NM_000435.2); short protein forms C144F.
Identifiers: ClinVar variation 1803216 (VCV001803216.6), dbSNP rs1568361985, ClinGen allele CA404534100.